The following is an entry in ClinVar:

NM_001039.4(SCNN1G):c.1051A>G (p.Met351Val)

Gene: SCNN1G (sodium channel epithelial 1 subunit gamma; plus strand). Cytogenetic location: 16p12.2.
Variant type: single nucleotide variant.
Coding change: c.1051A>G on transcript NM_001039.4 (MANE Select); coding-DNA position 1051, A replaced by G.
Protein change: p.Met351Val; replaces methionine 351 with valine.
Molecular consequence: missense variant.
Genome position (GRCh38, 1-based): chr16:23,197,401, A>G. VCF-style: chr16-23197401-A-G. GRCh37 (hg19) VCF-style: chr16-23208722-A-G.
Other names: short protein forms M351V.
Identifiers: ClinVar variation 3709119 (VCV003709119.2).

ClinVar aggregate classification (germline): Uncertain significance (1 of 4 stars; one submission).

gnomAD v4.1: 41 of 1,614,134 alleles (0.0025%); highest among the groups gnomAD compares: East Asian, 0.06%; no homozygotes.

Submission:

Labcorp Genetics (formerly Invitae), Labcorp
Classification: Uncertain significance. Last evaluated: 2025-11-03. Review status: criteria provided, single submitter. Criteria: Invitae Variant Classification Sherloc (09022015). Collection method: clinical testing. Allele origin: germline.
Comment: This sequence change replaces methionine, which is neutral and non-polar, with valine, which is neutral and non-polar, at codon 351 of the SCNN1G protein (p.Met351Val). This variant is present in population databases (rs755041899, gnomAD 0.05%). This missense change has been observed in individual(s) with early onset hypertension (PMID: 28915228). ClinVar contains an entry for this variant (Variation ID: 3709119). Invitae Evidence Modeling of protein sequence and biophysical properties (such as structural, functional, and spatial information, amino acid conservation, physicochemical variation, residue mobility, and thermodynamic stability) indicates that this missense variant is not expected to disrupt SCNN1G protein function with a negative predictive value of 80%. In summary, the available evidence is currently insufficient to determine the role of this variant in disease. Therefore, it has been classified as a Variant of Uncertain Significance.

Literature cited by the submitters: PubMed 28915228.